The following is an entry in ClinVar:

ClinVar aggregate classification (germline): Uncertain significance (1 of 4 stars; one submission).

Conditions:
Acromesomelic dysplasia 1, Maroteaux type (AMD1). Also called: ACROMESOMELIC DYSPLASIA 1; ST. HELENA DYSPLASIA. Identifiers: Orphanet 40, MedGen C1864356, MONDO:0011275, OMIM 602875.
Tall stature-scoliosis-macrodactyly of the great toes syndrome. Also called: Epiphyseal chondrodysplasia, miura type. Identifiers: Orphanet 329191, MedGen C4014690, MONDO:0014401, OMIM 615923.

Submission:

Labcorp Genetics (formerly Invitae), Labcorp
Classification: Uncertain significance for Tall stature-scoliosis-macrodactyly of the great toes syndrome; Acromesomelic dysplasia 1, Maroteaux type. Last evaluated: 2022-08-09. Review status: criteria provided, single submitter. Criteria: Invitae Variant Classification Sherloc (09022015). Collection method: clinical testing. Allele origin: germline.
Comment: In summary, the available evidence is currently insufficient to determine the role of this variant in disease. Therefore, it has been classified as a Variant of Uncertain Significance. Algorithms developed to predict the effect of missense changes on protein structure and function are either unavailable or do not agree on the potential impact of this missense change (SIFT: "Deleterious"; PolyPhen-2: "Benign"; Align-GVGD: "Class C0"). ClinVar contains an entry for this variant (Variation ID: 1409225). This variant has not been reported in the literature in individuals affected with NPR2-related conditions. This variant is not present in population databases (gnomAD no frequency). This sequence change replaces proline, which is neutral and non-polar, with alanine, which is neutral and non-polar, at codon 43 of the NPR2 protein (p.Pro43Ala).

NM_003995.4(NPR2):c.127C>G (p.Pro43Ala)

Gene: NPR2 (natriuretic peptide receptor 2; plus strand). Cytogenetic location: 9p13.3.
Variant type: single nucleotide variant.
Coding change: c.127C>G on transcript NM_003995.4 (MANE Select); coding-DNA position 127, C replaced by G.
Protein change: p.Pro43Ala; replaces proline 43 with alanine.
Molecular consequence: missense variant.
Genome position (GRCh38, 1-based): chr9:35,792,535, C>G. VCF-style: chr9-35792535-C-G. GRCh37 (hg19) VCF-style: chr9-35792532-C-G.
Other names: c.127C>G, p.Pro43Ala (NM_001378923.1); short protein forms P43A.
Identifiers: ClinVar variation 1409225 (VCV001409225.8), dbSNP rs1258275667, ClinGen allele CA373361655.